The following is an entry in ClinVar:

ClinVar aggregate classification (germline): Uncertain significance (1 of 4 stars; one submission).

Conditions:
COL7A1-related disorder. Also called: COL7A1-related condition; COL7A1- related disorders.

gnomAD v4.1: 5 of 1,614,170 alleles (0.00031%); highest among the groups gnomAD compares: Non-Finnish European, 0.00034%; no homozygotes.

Submission:

PreventionGenetics, part of Exact Sciences
Classification: Uncertain significance for COL7A1-related condition. Last evaluated: 2026-06-04. Review status: criteria provided, single submitter. Criteria: ACMG Guidelines, 2015. Collection method: clinical testing. Allele origin: germline.
Comment: The COL7A1 c.353G>T variant is predicted to result in the amino acid substitution p.Arg118Leu. To our knowledge, this variant has not been reported in the literature or in a large population database (gnomAD), indicating this variant is rare. At this time, the clinical significance of this variant is uncertain due to the absence of conclusive functional and genetic evidence.

NM_000094.4(COL7A1):c.353G>T (p.Arg118Leu)

Gene: COL7A1 (collagen type VII alpha 1 chain; minus strand). Cytogenetic location: 3p21.31.
Variant type: single nucleotide variant.
Coding change: c.353G>T on transcript NM_000094.4 (MANE Select); coding-DNA position 353, G replaced by T.
Protein change: p.Arg118Leu; replaces arginine 118 with leucine.
Molecular consequence: missense variant.
Genome position (GRCh38, 1-based): chr3:48,593,610, C>A on the plus strand (G>T on the coding strand, the complement: COL7A1 is on the minus strand). VCF-style: chr3-48593610-C-A. GRCh37 (hg19) VCF-style: chr3-48631043-C-A.
Other names: short protein forms R118L.
Identifiers: ClinVar variation 4982575 (VCV004982575.1).